The following is an entry in ClinVar:

NM_000264.5(PTCH1):c.3406G>A (p.Gly1136Arg)

Gene: PTCH1 (patched 1; minus strand). Cytogenetic location: 9q22.32.
Variant type: single nucleotide variant.
Coding change: c.3406G>A on transcript NM_000264.5 (MANE Select); coding-DNA position 3406, G replaced by A.
Protein change: p.Gly1136Arg; replaces glycine 1136 with arginine.
Molecular consequence: missense variant. On other transcripts: non-coding transcript variant (1).
Genome position (GRCh38, 1-based): chr9:95,453,521, C>T on the plus strand (G>A on the coding strand, the complement: PTCH1 is on the minus strand). VCF-style: chr9-95453521-C-T. GRCh37 (hg19) VCF-style: chr9-98215803-C-T.
Other names: c.3208G>A, p.Gly1070Arg (NM_001083602.3); c.3403G>A, p.Gly1135Arg (NM_001083603.3); c.2953G>A, p.Gly985Arg (NM_001083604.3, NM_001083605.3, NM_001083606.3 and 1 more transcripts); c.3250G>A, p.Gly1084Arg (NM_001354918.2); short protein forms G1070R, G1135R, G1084R, G1136R, G985R.
Identifiers: ClinVar variation 966913 (VCV000966913.13), dbSNP rs1838655420, ClinGen allele CA374111739.

ClinVar aggregate classification (germline): Pathogenic/Likely pathogenic. Review status: criteria provided, multiple submitters, no conflicts (2 of 4 stars). 2 submissions from 2 submitters: Pathogenic (1); Likely pathogenic (1). Last evaluated 2023-08-10.

Conditions:
Gorlin syndrome. Also called: Nevoid Basal Cell Carcinoma Syndrome; Basal cell nevus syndrome. Identifiers: Orphanet 377, MedGen C0004779, MONDO:0007187.

Submissions (2):

Labcorp Genetics (formerly Invitae), Labcorp
Classification: Pathogenic for Gorlin syndrome. Last evaluated: 2023-08-10. Review status: criteria provided, single submitter. Criteria: Invitae Variant Classification Sherloc (09022015). Collection method: clinical testing. Allele origin: germline.
Comment: Advanced modeling of protein sequence and biophysical properties (such as structural, functional, and spatial information, amino acid conservation, physicochemical variation, residue mobility, and thermodynamic stability) performed at Invitae indicates that this missense variant is expected to disrupt PTCH1 protein function. For these reasons, this variant has been classified as Pathogenic. ClinVar contains an entry for this variant (Variation ID: 966913). This missense change has been observed in individuals with clinical features of basal cell nevus syndrome (Gorlin syndrome) (PMID: 32741058; Invitae; external communication). This variant is not present in population databases (gnomAD no frequency). This sequence change replaces glycine, which is neutral and non-polar, with arginine, which is basic and polar, at codon 1136 of the PTCH1 protein (p.Gly1136Arg).

GeneDx
Classification: Likely pathogenic. Last evaluated: 2019-07-24. Review status: criteria provided, single submitter. Criteria: GeneDx Variant Classification Process June 2021. Collection method: clinical testing. Allele origin: germline. Affected: yes.
Comment: Not observed in large population cohorts (Lek et al., 2016); In silico analysis, which includes protein predictors and evolutionary conservation, supports a deleterious effect; Has not been previously published as pathogenic or benign to our knowledge; This variant is associated with the following publications: (PMID: 32741058)

Literature cited by the submitters: PubMed 32741058 (cited by Labcorp Genetics (formerly Invitae), Labcorp).